The following is an entry in ClinVar:

NM_203446.3(SYNJ1):c.2383A>G (p.Thr795Ala)

Gene: SYNJ1 (synaptojanin 1; minus strand). Cytogenetic location: 21q22.11.
Variant type: single nucleotide variant.
Coding change: c.2383A>G on transcript NM_203446.3 (MANE Select); coding-DNA position 2383, A replaced by G.
Protein change: p.Thr795Ala; replaces threonine 795 with alanine.
Molecular consequence: missense variant.
Genome position (GRCh38, 1-based): chr21:32,657,794, T>C on the plus strand (A>G on the coding strand, the complement: SYNJ1 is on the minus strand). VCF-style: chr21-32657794-T-C. GRCh37 (hg19) VCF-style: chr21-34030104-T-C.
Other names: c.2383A>G, p.Thr795Ala (NM_001160302.2); c.2368A>G, p.Thr790Ala (NM_001160306.2); c.2500A>G, p.Thr834Ala (NM_003895.4); short protein forms T795A, T834A, T790A.
Identifiers: ClinVar variation 2015164 (VCV002015164.2), dbSNP rs2517542647, ClinGen allele CA410075396.

ClinVar aggregate classification (germline): Uncertain significance (1 of 4 stars; one submission).

Conditions:
Developmental and epileptic encephalopathy, 53. Also called: Epileptic encephalopathy, early infantile, 53. Identifiers: MedGen C4479313, MONDO:0033362, OMIM 617389.
Early-onset Parkinson disease 20. Also called: PARKINSON DISEASE 20, AUTOSOMAL RECESSIVE EARLY-ONSET. Identifiers: Orphanet 391411, MedGen C3809824, MONDO:0014233, OMIM 615530.

Submission:

Labcorp Genetics (formerly Invitae), Labcorp
Classification: Uncertain significance for Developmental and epileptic encephalopathy, 53; Early-onset Parkinson disease 20. Last evaluated: 2022-11-01. Review status: criteria provided, single submitter. Criteria: Invitae Variant Classification Sherloc (09022015). Collection method: clinical testing. Allele origin: germline.
Comment: In summary, the available evidence is currently insufficient to determine the role of this variant in disease. Therefore, it has been classified as a Variant of Uncertain Significance. Advanced modeling of protein sequence and biophysical properties (such as structural, functional, and spatial information, amino acid conservation, physicochemical variation, residue mobility, and thermodynamic stability) performed at Invitae indicates that this missense variant is expected to disrupt SYNJ1 protein function. This variant has not been reported in the literature in individuals affected with SYNJ1-related conditions. This variant is not present in population databases (gnomAD no frequency). This sequence change replaces threonine, which is neutral and polar, with alanine, which is neutral and non-polar, at codon 834 of the SYNJ1 protein (p.Thr834Ala).